The following is an entry in ClinVar:

NM_000719.7(CACNA1C):c.1614G>T (p.Thr538=)

Gene: CACNA1C (calcium voltage-gated channel subunit alpha1 C; plus strand). Cytogenetic location: 12p13.33.
Variant type: single nucleotide variant.
Coding change: c.1614G>T on transcript NM_000719.7 (MANE Select); coding-DNA position 1614, G replaced by T.
Protein change: p.Thr538=; no amino-acid change (threonine 538 retained).
Molecular consequence: synonymous variant.
Genome position (GRCh38, 1-based): chr12:2,566,527, G>T. VCF-style: chr12-2566527-G-T. GRCh37 (hg19) VCF-style: chr12-2675693-G-T.
Other names: c.1614G>T, p.Thr538= (NM_001129827.2, NM_001129829.2, NM_001129830.3 and 18 more transcripts); c.1605G>T, p.Thr535= (NM_001129844.2).
Identifiers: ClinVar variation 1776462 (VCV001776462.26), dbSNP rs747593586, ClinGen allele CA477884591.

ClinVar aggregate classification (germline): Likely benign. Review status: criteria provided, multiple submitters, no conflicts (2 of 4 stars). 2 submissions from 2 submitters: Likely benign (2). Last evaluated 2022-10-01.

Conditions:
Cardiovascular phenotype. Identifiers: MedGen CN230736.

gnomAD v4.1: 2 of 1,595,020 alleles (0.00013%); highest among the groups gnomAD compares: Non-Finnish European, 0.00017%; no homozygotes.

Submissions (2):

CeGaT Center for Human Genetics Tuebingen
Classification: Likely benign. Last evaluated: 2022-10-01. Review status: criteria provided, single submitter. Criteria: CeGaT Center For Human Genetics Tuebingen Variant Classification Criteria Version 2. Collection method: clinical testing. Allele origin: germline. Affected: yes. Observed: 1 variant allele.
Comment: CACNA1C: BP4, BP7

Ambry Genetics
Classification: Likely benign for Cardiovascular phenotype. Last evaluated: 2021-01-15. Review status: criteria provided, single submitter. Criteria: Ambry Variant Classification Scheme 2023. Collection method: clinical testing. Allele origin: germline.